The following is an entry in ClinVar:

ClinVar aggregate classification (germline): Conflicting classifications of pathogenicity. Review status: criteria provided, conflicting classifications (1 of 4 stars). 2 submissions from 2 submitters: Uncertain significance (1); Likely benign (1). Last evaluated 2024-04-11.

Conditions:
Polycystic kidney disease, adult type (PKD1). Also called: Polycystic Kidney, Autosomal Dominant; POLYCYSTIC KIDNEY DISEASE, ADULT, TYPE I; Polycystic Kidney Disease 1, Autosomal Dominant; Polycystic kidney disease 1; Polycystic kidney disease 1, severe; POLYCYSTIC KIDNEY DISEASE 1 WITH OR WITHOUT POLYCYSTIC LIVER DISEASE. Identifiers: MedGen C3149841, MONDO:0008263, OMIM 173900.

Allele frequency attached by ClinVar (database versions not stated): ExAC 0.00002; TOPMed 0.00002; gnomAD exomes 0.00003; gnomAD 0.00009 and 0.00010.
gnomAD v4.1: 62 of 1,587,018 alleles (0.0039%); highest among the groups gnomAD compares: South Asian, 0.0055%; no homozygotes.

Submissions (2):

Fulgent Genetics
Classification: Likely benign for Polycystic kidney disease, adult type. Last evaluated: 2024-04-11. Review status: criteria provided, single submitter. Criteria: ACMG Guidelines, 2015. Collection method: clinical testing. Allele origin: germline.

GeneDx
Classification: Uncertain significance. Last evaluated: 2021-05-07. Review status: criteria provided, single submitter. Criteria: GeneDx Variant Classification Process June 2021. Collection method: clinical testing. Allele origin: germline. Affected: yes.
Comment: In silico analysis supports that this missense variant does not alter protein structure/function; Has not been previously published as pathogenic or benign to our knowledge

NM_001009944.3(PKD1):c.7906C>T (p.Arg2636Trp)

Gene: PKD1 (polycystin 1, transient receptor potential channel interacting; minus strand). Cytogenetic location: 16p13.3.
Variant type: single nucleotide variant.
Coding change: c.7906C>T on transcript NM_001009944.3 (MANE Select); coding-DNA position 7906, C replaced by T.
Protein change: p.Arg2636Trp; replaces arginine 2636 with tryptophan.
Molecular consequence: missense variant.
Genome position (GRCh38, 1-based): chr16:2,105,432, G>A on the plus strand (C>T on the coding strand, the complement: PKD1 is on the minus strand). VCF-style: chr16-2105432-G-A. GRCh37 (hg19) VCF-style: chr16-2155433-G-A.
Other names: c.7906C>T, p.Arg2636Trp (NM_000296.4); short protein forms R2636W.
Identifiers: ClinVar variation 1326521 (VCV001326521.3), dbSNP rs200907085, ClinGen allele CA7830815.